The following is an entry in ClinVar:

ClinVar aggregate classification (germline): Uncertain significance (1 of 4 stars; one submission).

Conditions:
Sifrim-Hitz-Weiss syndrome (SIHIWES). Also called: CHD4 Neurodevelopmental Disorder; SIFRIM-HITZ-WEISS MULTIPLE CONGENITAL ANOMALIES-MENTAL RETARDATION SYNDROME. Identifiers: Orphanet 653712, MedGen C4310688, MONDO:0014946, OMIM 617159.

Submission:

MVZ Medizinische Genetik Mainz
Classification: Uncertain significance for Sifrim-Hitz-Weiss syndrome. Last evaluated: 2022-05-12. Review status: criteria provided, single submitter. Criteria: UK Practice Guidelines For Variant Classification V4 01 2020. Collection method: clinical testing. Allele origin: germline. Inheritance: Autosomal dominant inheritance. Affected: yes. Observed: 1 variant allele.
Comment: ACMG Criteria: PM1, PM2_SUP, PP2, PP3

NM_001273.5(CHD4):c.3252T>A (p.Asp1084Glu)

Gene: CHD4 (chromodomain helicase DNA binding protein 4; minus strand). Cytogenetic location: 12p13.31.
Variant type: single nucleotide variant.
Coding change: c.3252T>A on transcript NM_001273.5 (MANE Select); coding-DNA position 3252, T replaced by A.
Protein change: p.Asp1084Glu; replaces aspartic acid 1084 with glutamic acid.
Molecular consequence: missense variant.
Genome position (GRCh38, 1-based): chr12:6,591,554, A>T on the plus strand (T>A on the coding strand, the complement: CHD4 is on the minus strand). VCF-style: chr12-6591554-A-T. GRCh37 (hg19) VCF-style: chr12-6700720-A-T.
Other names: c.3231T>A, p.Asp1077Glu (NM_001297553.2); c.3213T>A, p.Asp1071Glu (NM_001363606.2); short protein forms D1071E, D1077E, D1084E.
Identifiers: ClinVar variation 3236247 (VCV003236247.1), dbSNP rs1161664570, ClinGen allele CA383585199.